The following is an entry in ClinVar:

ClinVar aggregate classification (germline): Pathogenic/Likely pathogenic. Review status: criteria provided, multiple submitters, no conflicts (2 of 4 stars). 5 submissions from 5 submitters: Pathogenic (2); Likely pathogenic (2). 1 of the submissions does not count toward it. Last evaluated 2026-04-14.

Conditions:
Familial intrahepatic cholestasis. Identifiers: Orphanet 284385, MedGen CN296401, MONDO:0017290.
Progressive familial intrahepatic cholestasis type 1. Also called: Byler's disease; BYLER DISEASE; Severe ATP8B1 Deficiency (Progressive Familial Intrahepatic Cholestasis Type 1 [PFIC1]). Identifiers: Orphanet 79306, MedGen C4551898, MONDO:0008892, OMIM 211600.

Allele frequency attached by ClinVar (database versions not stated): gnomAD exomes below 0.00001.
gnomAD v4.1: 5 of 1,614,114 alleles (0.00031%); highest among the groups gnomAD compares: Admixed American, 0.0033%; no homozygotes.

Submissions (5):

Genomenon, Inc
Classification: Pathogenic for Familial intrahepatic cholestasis. Last evaluated: 2026-04-14. Review status: criteria provided, single submitter. Criteria: Genomenon Sequence Variant Interpretation Standards - Updated. Collection method: curation. Allele origin: germline. Affected: yes.
Comment: ATP8B1 p.Thr456Met (c.1367C>T) is a missense variant that changes the amino acid at residue 456 from Threonine to Methionine. This variant has been observed in at least one proband with features of ATP8B1-deficiency (PMID:34828443;34942279;33437900;15317749;18785905;15239083;27050426;19479804;33666275). The variant was found to segregate with disease in at least one affected family (PMID:15317749). It has been observed in trans with a pathogenic or likely pathogenic variant (PMID:15317749). At least one functional study has demonstrated a substantial alteration in protein function relative to the wild-type (PMID:33437900). At least one splicing study demonstrated no effect on splicing (PMID:33437900). It is absent or not present at a significant frequency in gnomAD. In silico models predict that this variant is possibly or probably damaging. In conclusion, we classify ATP8B1 p.Thr456Met (c.1367C>T) as a pathogenic variant.

Labcorp Genetics (formerly Invitae), Labcorp
Classification: Likely pathogenic. Last evaluated: 2024-01-25. Review status: criteria provided, single submitter. Criteria: Invitae Variant Classification Sherloc (09022015). Collection method: clinical testing. Allele origin: germline.
Comment: This sequence change replaces threonine, which is neutral and polar, with methionine, which is neutral and non-polar, at codon 456 of the ATP8B1 protein (p.Thr456Met). This variant is not present in population databases (gnomAD no frequency). This missense change has been observed in individuals with ATP8B1-related conditions (PMID: 15239083, 33666275). ClinVar contains an entry for this variant (Variation ID: 7273). Advanced modeling of protein sequence and biophysical properties (such as structural, functional, and spatial information, amino acid conservation, physicochemical variation, residue mobility, and thermodynamic stability) performed at Invitae indicates that this missense variant is expected to disrupt ATP8B1 protein function with a positive predictive value of 80%. Experimental studies have shown that this missense change affects ATP8B1 function (PMID: 19381753). In summary, the currently available evidence indicates that the variant is pathogenic, but additional data are needed to prove that conclusively. Therefore, this variant has been classified as Likely Pathogenic.

Neuberg Centre For Genomic Medicine, NCGM
Classification: Pathogenic for Progressive familial intrahepatic cholestasis type 1. Last evaluated: 2023-05-20. Review status: criteria provided, single submitter. Criteria: ACMG Guidelines, 2015. Collection method: clinical testing. Allele origin: germline. Inheritance: Autosomal recessive inheritance. Affected: yes.
Comment: The observed missense c.1367C>T(p.Thr456Met) variant in ATP8B1 gene has been reported previously in homozygous and compound heterozygous states in multiple individuals affected with progressive familial intrahepatic cholestasis (Mínguez Rodríguez B, et al., 2022; Mizutani A, et al., 2020; Oya Y, et al., 2017; Alvarez L, et al., 2004). The p.Thr456Met variant is absent in gnomAD Exomes. This variant has been submitted to the ClinVar database as Pathogenic. Multiple lines of computational evidences (Polyphen - Probably damaging, SIFT - Damaging and MutationTaster - Disease causing) predict a damaging effect on protein structure and function for this variant. The reference amino acid is predicted as conserved by GERP++ and PhyloP across 100 vertebrates. The amino acid Thr at position 456 is changed to a Met changing protein sequence and it might alter its composition and physico-chemical properties. For these reasons, this variant has been classified as Pathogenic.

Clinical Genetics Service, Universitary Hospital 12 de Octubre
Classification: Likely pathogenic for Progressive familial intrahepatic cholestasis type 1. Review status: criteria provided, single submitter. Criteria: ACMG Guidelines, 2015. Collection method: clinical testing. Allele origin: germline. Affected: yes.

OMIM
Classification: Pathogenic for CHOLESTASIS, PROGRESSIVE FAMILIAL INTRAHEPATIC, 1. Last evaluated: 2004-10-15. Review status: no assertion criteria provided. Collection method: literature only. Allele origin: germline. Not counted in ClinVar's aggregate classification.

Literature cited by the submitters: PubMed 34828443 (cited by Genomenon, Inc); PubMed 34942279 (cited by Genomenon, Inc); PubMed 33437900 (cited by Genomenon, Inc); PubMed 15317749 (cited by Genomenon, Inc and OMIM); PubMed 18785905 (cited by Genomenon, Inc); PubMed 15239083 (cited by Genomenon, Inc and Labcorp Genetics (formerly Invitae), Labcorp); PubMed 27050426 (cited by Genomenon, Inc); PubMed 19479804 (cited by Genomenon, Inc); PubMed 33666275 (cited by Genomenon, Inc and Labcorp Genetics (formerly Invitae), Labcorp); PubMed 19381753 (cited by Labcorp Genetics (formerly Invitae), Labcorp).

NM_001374385.1(ATP8B1):c.1367C>T (p.Thr456Met)

Gene: ATP8B1 (ATPase phospholipid transporting 8B1; minus strand). Cytogenetic location: 18q21.31.
Variant type: single nucleotide variant.
Coding change: c.1367C>T on transcript NM_001374385.1 (MANE Select); coding-DNA position 1367, C replaced by T.
Protein change: p.Thr456Met; replaces threonine 456 with methionine.
Molecular consequence: missense variant.
Genome position (GRCh38, 1-based): chr18:57,688,361, G>A on the plus strand (C>T on the coding strand, the complement: ATP8B1 is on the minus strand). VCF-style: chr18-57688361-G-A. GRCh37 (hg19) VCF-style: chr18-55355593-G-A.
Other names: c.1367C>T (NM_005603.4); c.1217C>T, p.Thr406Met (NM_001374386.1); c.1367C>T, p.Thr456Met (NM_005603.6); short protein forms T456M, T406M.
Identifiers: ClinVar variation 7273 (VCV000007273.6), dbSNP rs121909104, ClinGen allele CA254136.